The following is an entry in ClinVar:

ClinVar aggregate classification (germline): Uncertain significance (1 of 4 stars; one submission).

Conditions:
Anauxetic dysplasia. Identifiers: Orphanet 93347, MedGen C1846796, MONDO:0011773.

Submission:

Labcorp Genetics (formerly Invitae), Labcorp
Classification: Uncertain significance for Anauxetic dysplasia. Last evaluated: 2022-05-03. Review status: criteria provided, single submitter. Criteria: Invitae Variant Classification Sherloc (09022015). Collection method: clinical testing. Allele origin: germline.
Comment: This variant occurs in the RMRP gene, which encodes an RNA molecule that does not result in a protein product. This variant is present in population databases (no rsID available, gnomAD 0.009%). This variant has not been reported in the literature in individuals affected with RMRP-related conditions. Experimental studies and prediction algorithms are not available or were not evaluated, and the functional significance of this variant is currently unknown. In summary, the available evidence is currently insufficient to determine the role of this variant in disease. Therefore, it has been classified as a Variant of Uncertain Significance.

NC_000009.12:g.35658029C>G

Gene: RMRP (RNA component of mitochondrial RNA processing endoribonuclease; minus strand). Cytogenetic location: 9p13.3.
Variant type: single nucleotide variant.
Genome position: GRCh38 VCF-style: chr9-35658029-C-G. GRCh37 (hg19) VCF-style: chr9-35658026-C-G.
Identifiers: ClinVar variation 2149463 (VCV002149463.1), dbSNP rs545020206, ClinGen allele CA587570222.